The following is an entry in ClinVar:

ClinVar aggregate classification (germline): Uncertain significance (1 of 4 stars; one submission).

Conditions:
Autoimmune interstitial lung disease-arthritis syndrome. Also called: Autoinflammation and autoimmunity, systemic, with immune dysregulation. Identifiers: Orphanet 444092, MedGen C5975714, MONDO:0014629.

Submission:

Labcorp Genetics (formerly Invitae), Labcorp
Classification: Uncertain significance for Autoimmune interstitial lung disease-arthritis syndrome. Last evaluated: 2023-07-12. Review status: criteria provided, single submitter. Criteria: Invitae Variant Classification Sherloc (09022015). Collection method: clinical testing. Allele origin: germline.
Comment: In summary, the available evidence is currently insufficient to determine the role of this variant in disease. Therefore, it has been classified as a Variant of Uncertain Significance. This variant has not been reported in the literature in individuals affected with COPA-related conditions. This variant is not present in population databases (gnomAD no frequency). This sequence change creates a premature translational stop signal (p.Gln1045Argfs*14) in the COPA gene. It is expected to result in an absent or disrupted protein product. However, the current clinical and genetic evidence is not sufficient to establish whether loss-of-function variants in COPA cause disease.

NM_004371.4(COPA):c.3134_3135del (p.Gln1045fs)

Gene: COPA (coat protein complex I subunit alpha; minus strand). Cytogenetic location: 1q23.2.
Variant type: Deletion.
Coding change: c.3134_3135del on transcript NM_004371.4 (MANE Select); coding-DNA positions 3134 to 3135, 2 bases deleted (AA; older notation c.3134_3135delAA).
Protein change: p.Gln1045fs; shifts the reading frame from glutamine 1045.
Molecular consequence: frameshift variant.
Genome position (GRCh38, 1-based): chr1:160,292,024-160,292,025, TT deleted on the plus strand (AA on the coding strand, the reverse complement: COPA is on the minus strand). VCF-style (leftmost placement, unchanged base first): chr1-160292023-CTT-C. GRCh37 (hg19) VCF-style: chr1-160261813-CTT-C.
Other names: c.3161_3162del, p.Gln1054fs (NM_001098398.2); short protein forms Q1054fs, Q1045fs.
Identifiers: ClinVar variation 2741809 (VCV002741809.3), dbSNP rs2525349004, ClinGen allele CA2697554623.
Genomic context (GRCh38, chr1:160,292,023, plus strand): 5'-CAAGAATGTGGAAGTGCCCAGAACTGGGACAGCGGCTAGACCCTCCTACCTCTGCAATCT[CTT>C]GTTTATTGTCCACAACAAGAAGTGGCACACTGAGAAGGATGGAACGGAATTTTTCCACAG-3'